The following is an entry in ClinVar:

NM_001002755.4(NFU1):c.287G>A (p.Arg96His)

Gene: NFU1 (NFU1 iron-sulfur cluster scaffold; minus strand). Cytogenetic location: 2p13.3.
Variant type: single nucleotide variant.
Coding change: c.287G>A on transcript NM_001002755.4 (MANE Select); coding-DNA position 287, G replaced by A.
Protein change: p.Arg96His; replaces arginine 96 with histidine.
Molecular consequence: missense variant. On other transcripts: intron variant (1).
Genome position (GRCh38, 1-based): chr2:69,423,597, C>T on the plus strand (G>A on the coding strand, the complement: NFU1 is on the minus strand). VCF-style: chr2-69423597-C-T. GRCh37 (hg19) VCF-style: chr2-69650729-C-T.
Other names: c.215G>A, p.Arg72His (NM_001374284.1, NM_015700.4); c.-121-3993G>A (NM_001002756.2); short protein forms R72H, R96H.
Identifiers: ClinVar variation 1699544 (VCV001699544.8), dbSNP rs774308958, ClinGen allele CA1694247.

ClinVar aggregate classification (germline): Uncertain significance. Review status: criteria provided, multiple submitters, no conflicts (2 of 4 stars). 2 submissions from 2 submitters: Uncertain significance (2). Last evaluated 2024-10-17.

Conditions:
Multiple mitochondrial dysfunctions syndrome 1 (MMDS1). Identifiers: Orphanet 401869, MedGen C3276432, MONDO:0011582, OMIM 605711.

gnomAD v4.1: 17 of 1,613,350 alleles (0.0011%); highest among the groups gnomAD compares: African/African-American, 0.004%; no homozygotes.

Submissions (2):

Labcorp Genetics (formerly Invitae), Labcorp
Classification: Uncertain significance for Multiple mitochondrial dysfunctions syndrome 1. Last evaluated: 2024-10-17. Review status: criteria provided, single submitter. Criteria: Invitae Variant Classification Sherloc (09022015). Collection method: clinical testing. Allele origin: germline.
Comment: This sequence change replaces arginine, which is basic and polar, with histidine, which is basic and polar, at codon 96 of the NFU1 protein (p.Arg96His). This variant is present in population databases (rs774308958, gnomAD 0.007%). This variant has not been reported in the literature in individuals affected with NFU1-related conditions. ClinVar contains an entry for this variant (Variation ID: 1699544). Invitae Evidence Modeling of protein sequence and biophysical properties (such as structural, functional, and spatial information, amino acid conservation, physicochemical variation, residue mobility, and thermodynamic stability) indicates that this missense variant is not expected to disrupt NFU1 protein function with a negative predictive value of 80%. In summary, the available evidence is currently insufficient to determine the role of this variant in disease. Therefore, it has been classified as a Variant of Uncertain Significance.

GeneDx
Classification: Uncertain significance. Last evaluated: 2022-01-31. Review status: criteria provided, single submitter. Criteria: GeneDx Variant Classification Process June 2021. Collection method: clinical testing. Allele origin: germline. Affected: yes.
Comment: Not observed at significant frequency in large population cohorts (gnomAD); In silico analysis supports that this missense variant does not alter protein structure/function; Has not been previously published as pathogenic or benign to our knowledge